The following is an entry in ClinVar:

ClinVar aggregate classification (germline): Uncertain significance (1 of 4 stars; one submission).

Allele frequency attached by ClinVar (database versions not stated): TOPMed 0.00003; gnomAD exomes 0.00005; ExAC 0.00001; gnomAD 0.00004.
gnomAD v4.1: 79 of 1,610,984 alleles (0.0049%); highest among the groups gnomAD compares: Non-Finnish European, 0.006%; no homozygotes.

Submission:

Labcorp Genetics (formerly Invitae), Labcorp
Classification: Uncertain significance. Last evaluated: 2023-12-14. Review status: criteria provided, single submitter. Criteria: Invitae Variant Classification Sherloc (09022015). Collection method: clinical testing. Allele origin: germline.
Comment: This sequence change replaces asparagine, which is neutral and polar, with serine, which is neutral and polar, at codon 1038 of the CTR9 protein (p.Asn1038Ser). This variant is present in population databases (rs767501151, gnomAD 0.002%). This variant has not been reported in the literature in individuals affected with CTR9-related conditions. ClinVar contains an entry for this variant (Variation ID: 2073680). An algorithm developed to predict the effect of missense changes on protein structure and function (PolyPhen-2) suggests that this variant is likely to be tolerated. In summary, the available evidence is currently insufficient to determine the role of this variant in disease. Therefore, it has been classified as a Variant of Uncertain Significance.

NM_014633.5(CTR9):c.3113A>G (p.Asn1038Ser)

Gene: CTR9 (CTR9 component of Paf1/RNA polymerase II complex; plus strand). Cytogenetic location: 11p15.4.
Variant type: single nucleotide variant.
Coding change: c.3113A>G on transcript NM_014633.5 (MANE Select); coding-DNA position 3113, A replaced by G.
Protein change: p.Asn1038Ser; replaces asparagine 1038 with serine.
Molecular consequence: missense variant.
Genome position (GRCh38, 1-based): chr11:10,778,696, A>G. VCF-style: chr11-10778696-A-G. GRCh37 (hg19) VCF-style: chr11-10800243-A-G.
Other names: c.3041A>G, p.Asn1014Ser (NM_001346279.2); short protein forms N1014S, N1038S.
Identifiers: ClinVar variation 2073680 (VCV002073680.4), dbSNP rs767501151, ClinGen allele CA5885516.